The following is an entry in ClinVar:

ClinVar aggregate classification (germline): Likely benign (0 of 4 stars; one submission).

Conditions:
CFAP44-related disorder. Also called: CFAP44-related condition.

Allele frequency attached by ClinVar (database versions not stated): ExAC 0.00001; gnomAD 0.00001; TOPMed 0.00001; gnomAD exomes 0.00002.
gnomAD v4.1: 33 of 1,613,314 alleles (0.002%); highest among the groups gnomAD compares: Middle Eastern, 0.016%; no homozygotes.

Submission:

PreventionGenetics, part of Exact Sciences
Classification: Likely benign for CFAP44-related condition. Last evaluated: 2019-08-07. Review status: no assertion criteria provided. Collection method: clinical testing. Allele origin: germline.
Comment: This variant is classified as likely benign based on ACMG/AMP sequence variant interpretation guidelines (Richards et al. 2015 PMID: 25741868, with internal and published modifications).

NM_001164496.2(CFAP44):c.2844G>A (p.Lys948=)

Genes: CFAP44 (cilia and flagella associated protein 44; minus strand), SPICE1-CFAP44 (SPICE1-CFAP44 readthrough (NMD candidate); minus strand). Cytogenetic location: 3q13.2.
Variant type: single nucleotide variant.
Coding change: c.2844G>A on transcript NM_001164496.2 (MANE Select); coding-DNA position 2844, G replaced by A.
Protein change: p.Lys948=; no amino-acid change (lysine 948 retained).
Molecular consequence: synonymous variant. On other transcripts: non-coding transcript variant (5).
Genome position (GRCh38, 1-based): chr3:113,363,235, C>T on the plus strand (G>A on the coding strand, the complement: CFAP44 is on the minus strand). VCF-style: chr3-113363235-C-T. GRCh37 (hg19) VCF-style: chr3-113082082-C-T.
Other names: c.2844G>A, p.Lys948= (NM_018338.3).
Identifiers: ClinVar variation 3035896 (VCV003035896.2), dbSNP rs776728539, ClinGen allele CA2543789.